The following is an entry in ClinVar:

NM_030973.4(MED25):c.1900A>G (p.Ile634Val)

Gene: MED25 (mediator complex subunit 25; plus strand). Cytogenetic location: 19q13.33.
Variant type: single nucleotide variant.
Coding change: c.1900A>G on transcript NM_030973.4 (MANE Select); coding-DNA position 1900, A replaced by G.
Protein change: p.Ile634Val; replaces isoleucine 634 with valine.
Molecular consequence: missense variant.
Genome position (GRCh38, 1-based): chr19:49,835,880, A>G. VCF-style: chr19-49835880-A-G. GRCh37 (hg19) VCF-style: chr19-50339137-A-G.
Other names: c.1900A>G, p.Ile634Val (NM_001378355.1); short protein forms I634V.
Identifiers: ClinVar variation 1017544 (VCV001017544.7), dbSNP rs776084741, ClinGen allele CA9585409.
Genomic context (GRCh38, chr19:49,835,880, plus strand): 5'-CCGCCAGGTGCCCCTCAAGGCCCTCCTGGAGCAGCTTCTGGCCCACCCCCTCCTGGACCC[A>G]TCCTTCGGCCCCAGAACCCTGGGGCCAACCCTCAGCTGCGAAGCCTCCTCCTCAACCCAC-3'
Protein context (NP_112235.2, residues 624-644): AASGPPPPGP[Ile634Val]LRPQNPGANP

ClinVar aggregate classification (germline): Uncertain significance (1 of 4 stars; one submission).

Conditions:
Charcot-Marie-Tooth disease type 2. Also called: Charcot-Marie-Tooth type 2. Identifiers: Orphanet 64746, MedGen C0270914, MONDO:0018993.

Allele frequency attached by ClinVar (database versions not stated): ExAC 0.00001; gnomAD exomes 0.00001 and 0.00002.
gnomAD v4.1: 3 of 1,612,480 alleles (0.00019%); highest among the groups gnomAD compares: Admixed American, 0.005%; no homozygotes.

Submission:

Labcorp Genetics (formerly Invitae), Labcorp
Classification: Uncertain significance for Charcot-Marie-Tooth disease type 2. Last evaluated: 2020-07-10. Review status: criteria provided, single submitter. Criteria: Invitae Variant Classification Sherloc (09022015). Collection method: clinical testing. Allele origin: germline.
Comment: In summary, the available evidence is currently insufficient to determine the role of this variant in disease. Therefore, it has been classified as a Variant of Uncertain Significance. Algorithms developed to predict the effect of missense changes on protein structure and function (SIFT, PolyPhen-2, Align-GVGD) all suggest that this variant is likely to be tolerated, but these predictions have not been confirmed by published functional studies and their clinical significance is uncertain. This variant has not been reported in the literature in individuals with MED25-related conditions. This variant is present in population databases (rs776084741, ExAC 0.009%). This sequence change replaces isoleucine with valine at codon 634 of the MED25 protein (p.Ile634Val). The isoleucine residue is moderately conserved and there is a small physicochemical difference between isoleucine and valine.